The following is an entry in ClinVar:

NM_000051.4(ATM):c.4918dup (p.Gln1640fs)

Gene: ATM (ATM serine/threonine kinase; plus strand). Cytogenetic location: 11q22.3.
Variant type: Duplication.
Coding change: c.4918dup on transcript NM_000051.4 (MANE Select); coding-DNA position 4918, one base duplicated (C; older notation c.4918dupC).
Protein change: p.Gln1640fs; shifts the reading frame from glutamine 1640.
Molecular consequence: frameshift variant.
Genome position (GRCh38, 1-based): chr11:108,297,295, C duplicated. VCF-style (leftmost placement, unchanged base first): chr11-108297294-G-GC. GRCh37 (hg19) VCF-style: chr11-108168021-G-GC.
Other names: c.4918dup, p.Gln1640fs (NM_001351834.2); short protein forms Q1640fs.
Identifiers: ClinVar variation 3148151 (VCV003148151.1), dbSNP rs2546954179, ClinGen allele CA2825001895.

ClinVar aggregate classification (germline): Pathogenic (1 of 4 stars; one submission).

Conditions:
Familial cancer of breast. Also called: BREAST CANCER, FAMILIAL; Hereditary breast cancer; hereditary breast carcinoma. Identifiers: Orphanet 227535, MedGen C0346153, MONDO:0016419, OMIM 114480. Disease mechanism: loss of function.

Submission:

Myriad Genetics, Inc.
Classification: Pathogenic for Familial cancer of breast. Last evaluated: 2024-01-25. Review status: criteria provided, single submitter. Criteria: Myriad Autosomal Dominant, Autosomal Recessive and X-Linked Classification Criteria (2023). Collection method: clinical testing. Allele origin: unknown.
Comment: This variant is considered pathogenic. This variant creates a frameshift predicted to result in premature protein truncation.